The following is an entry in ClinVar:

NM_001042492.3(NF1):c.539T>A (p.Leu180Ter)

Gene: NF1 (neurofibromin 1; plus strand). Cytogenetic location: 17q11.2.
Variant type: single nucleotide variant.
Coding change: c.539T>A on transcript NM_001042492.3 (MANE Select); coding-DNA position 539, T replaced by A.
Protein change: p.Leu180Ter; replaces leucine 180 with a stop codon.
Molecular consequence: nonsense.
Genome position (GRCh38, 1-based): chr17:31,169,950, T>A. VCF-style: chr17-31169950-T-A. GRCh37 (hg19) VCF-style: chr17-29496968-T-A.
Other names: c.539T>A, p.Leu180Ter (NM_000267.4, NM_001128147.3); short protein forms L180*.
Identifiers: ClinVar variation 1456855 (VCV001456855.9), dbSNP rs2143707605, ClinGen allele CA398985148.

ClinVar aggregate classification (germline): Pathogenic. Review status: criteria provided, multiple submitters, no conflicts (2 of 4 stars). 2 submissions from 2 submitters: Pathogenic (2). Last evaluated 2025-12-08.

Conditions:
Neurofibromatosis, type 1 (NF1). Also called: Neurofibromatosis, type I; VON RECKLINGHAUSEN DISEASE; NEUROFIBROMATOSIS, TYPE I, SOMATIC; Peripheral type neurofibromatosis. Identifiers: Orphanet 636, MedGen C0027831, MONDO:0018975, OMIM 162200. Disease mechanism: loss of function.

Submissions (2):

NHS Central & South Genomic Laboratory Hub
Classification: Pathogenic for Neurofibromatosis type 1. Last evaluated: 2025-12-08. Review status: criteria provided, single submitter. Criteria: ACMG Guidelines, 2015. Collection method: clinical testing. Allele origin: germline. Affected: yes.

Labcorp Genetics (formerly Invitae), Labcorp
Classification: Pathogenic for Neurofibromatosis, type 1. Last evaluated: 2021-01-29. Review status: criteria provided, single submitter. Criteria: Invitae Variant Classification Sherloc (09022015). Collection method: clinical testing. Allele origin: germline.
Comment: This sequence change creates a premature translational stop signal (p.Leu180*) in the NF1 gene. It is expected to result in an absent or disrupted protein product. Loss-of-function variants in NF1 are known to be pathogenic (PMID: 10712197, 23913538). This variant is not present in population databases (ExAC no frequency). For these reasons, this variant has been classified as Pathogenic. This variant has been observed in individual(s) with clinical features of neurofibromatosis type 1 (PMID: 10726756, 19142971).

Literature cited by the submitters: PubMed 10712197 (cited by Labcorp Genetics (formerly Invitae), Labcorp); PubMed 23913538 (cited by Labcorp Genetics (formerly Invitae), Labcorp); PubMed 10726756 (cited by Labcorp Genetics (formerly Invitae), Labcorp); PubMed 19142971 (cited by Labcorp Genetics (formerly Invitae), Labcorp).